The following is an entry in ClinVar:

NM_001288705.3(CSF1R):c.254C>T (p.Thr85Ile)

Gene: CSF1R (colony stimulating factor 1 receptor; minus strand). Cytogenetic location: 5q32.
Variant type: single nucleotide variant.
Coding change: c.254C>T on transcript NM_001288705.3 (MANE Select); coding-DNA position 254, C replaced by T.
Protein change: p.Thr85Ile; replaces threonine 85 with isoleucine.
Molecular consequence: missense variant. On other transcripts: 5 prime UTR variant (1), non-coding transcript variant (2).
Genome position (GRCh38, 1-based): chr5:150,080,820, G>A on the plus strand (C>T on the coding strand, the complement: CSF1R is on the minus strand). VCF-style: chr5-150080820-G-A. GRCh37 (hg19) VCF-style: chr5-149460383-G-A.
Other names: c.254C>T, p.Thr85Ile (NM_001349736.2, NM_001375320.1, NM_005211.4); c.-191C>T (NM_001375321.1); short protein forms T85I.
Identifiers: ClinVar variation 3239571 (VCV003239571.20), dbSNP rs1758504424.
Genomic context (GRCh38, chr5:150,080,820, plus strand): 5'-TCCTCACCTTTGACATAGAGGTGGATGGCGGCGCTGCCTCCCAGGGGGTCTCCAGGCTCA[G>A]TGCAGCGATAGGTCCCCGTGTTTTGGAAGGTAGCGTTGTTGGTGCTGAGGATGCTGCTGG-3'
Protein context (NP_001275634.1, residues 75-95): TFQNTGTYRC[Thr85Ile]EPGDPLGGSA

ClinVar aggregate classification (germline): Uncertain significance. Review status: criteria provided, multiple submitters, no conflicts (2 of 4 stars). 2 submissions from 2 submitters: Uncertain significance (2). Last evaluated 2025-02-02.

Allele frequency attached by ClinVar (database versions not stated): gnomAD exomes below 0.00001; gnomAD 0.00001; TOPMed 0.00001.
gnomAD v4.1: 6 of 1,614,074 alleles (0.00037%); highest among the groups gnomAD compares: African/African-American, 0.0027%; 1 homozygote.

Submissions (2):

Labcorp Genetics (formerly Invitae), Labcorp
Classification: Uncertain significance. Last evaluated: 2025-02-02. Review status: criteria provided, single submitter. Criteria: Invitae Variant Classification Sherloc (09022015). Collection method: clinical testing. Allele origin: germline.
Comment: This sequence change replaces threonine, which is neutral and polar, with isoleucine, which is neutral and non-polar, at codon 85 of the CSF1R protein (p.Thr85Ile). This variant is not present in population databases (gnomAD no frequency). This variant has not been reported in the literature in individuals affected with CSF1R-related conditions. ClinVar contains an entry for this variant (Variation ID: 3239571). Invitae Evidence Modeling of protein sequence and biophysical properties (such as structural, functional, and spatial information, amino acid conservation, physicochemical variation, residue mobility, and thermodynamic stability) indicates that this missense variant is not expected to disrupt CSF1R protein function with a negative predictive value of 95%. In summary, the available evidence is currently insufficient to determine the role of this variant in disease. Therefore, it has been classified as a Variant of Uncertain Significance.

CeGaT Center for Human Genetics Tuebingen
Classification: Uncertain significance. Last evaluated: 2024-05-01. Review status: criteria provided, single submitter. Criteria: CeGaT Center For Human Genetics Tuebingen Variant Classification Criteria Version 2. Collection method: clinical testing. Allele origin: germline. Affected: yes. Observed: 1 variant allele.
Comment: CSF1R: PM2, BP4